The following is an entry in ClinVar:

NM_000540.3(RYR1):c.11034+15G>A

Gene: RYR1 (ryanodine receptor 1; plus strand). Cytogenetic location: 19q13.2.
Variant type: single nucleotide variant.
Coding change: c.11034+15G>A on transcript NM_000540.3 (MANE Select); 15 bases into the intron after coding-DNA position 11034, G replaced by A.
Molecular consequence: intron variant.
Genome position (GRCh38, 1-based): chr19:38,528,710, G>A. VCF-style: chr19-38528710-G-A. GRCh37 (hg19) VCF-style: chr19-39019350-G-A.
Other names: c.11019+15G>A (NM_001042723.2).
Identifiers: ClinVar variation 513560 (VCV000513560.12), dbSNP rs552725260, ClinGen allele CA055593.
Genomic context (GRCh38, chr19:38,528,710, plus strand): 5'-GACTGAAGACCACAGTTTTGAGGACCGCATGATAGATGACCTTTCAGTGAGCTGGGACCC[G>A]CCTGGGGGAGTGGGGGGCGAGCTGGATAGGGCTGGGGCGGAGGCCACCCTTGGCACACCT-3'

ClinVar aggregate classification (germline): Conflicting classifications of pathogenicity. Review status: criteria provided, conflicting classifications (1 of 4 stars). 5 submissions from 3 submitters: Uncertain significance (3); Likely benign (2). Last evaluated 2025-12-29.

Conditions:
RYR1-related disorder. Also called: RYR1-related condition; RYR1-related disorders. Identifiers: MedGen CN239331.
Congenital multicore myopathy with external ophthalmoplegia (CMYO1B). Also called: Minicore myopathy with external ophthalmoplegia; Congenital myopathy 1B, autosomal recessive; Minicore myopathy; MULTICORE MYOPATHY; MULTIMINICORE DISEASE WITH EXTERNAL OPHTHALMOPLEGIA. Identifiers: Orphanet 598, Orphanet 98905, MedGen C1850674, MONDO:0009712, OMIM 255320, HP:0003789.
Malignant hyperthermia, susceptibility to, 1 (MHS1). Also called: Anesthesia related hyperthermia; Malignant hyperpyrexia; Fulminating hyperpyrexia; Pharmacogenic myopathy; RYR1-Related Malignant Hyperthermia Susceptibility; Malignant hyperthermia suceptibility 1. Identifiers: Orphanet 423, MedGen C2930980, MONDO:0007783, OMIM 145600.
Central core myopathy (CMYO1A). Also called: CONGENITAL MYOPATHY 1A, AUTOSOMAL DOMINANT, WITH SUSCEPTIBILITY TO MALIGNANT HYPERTHERMIA; Central core disease; Myopathy, central fibrillar. Identifiers: Orphanet 597, MedGen C5830701, MONDO:0007294, OMIM 117000.

Allele frequency attached by ClinVar (database versions not stated): gnomAD exomes 0.00006 and 0.00009; ExAC 0.00010; TOPMed 0.00010; 1000 Genomes Project 30x 0.00016; gnomAD 0.00019; 1000 Genomes Project 0.00020.
gnomAD v4.1: 113 of 1,613,310 alleles (0.007%); highest among the groups gnomAD compares: Middle Eastern, 0.099%; 1 homozygote.

Submissions (5):

Labcorp Genetics (formerly Invitae), Labcorp
Classification: Likely benign for RYR1-related disorder. Last evaluated: 2025-12-29. Review status: criteria provided, single submitter. Criteria: Invitae Variant Classification Sherloc (09022015). Collection method: clinical testing. Allele origin: germline.

GeneDx
Classification: Likely benign. Last evaluated: 2017-11-22. Review status: criteria provided, single submitter. Criteria: GeneDx Variant Classification (06012015). Collection method: clinical testing. Allele origin: germline. Affected: yes.
Comment: This variant is considered likely benign or benign based on one or more of the following criteria: it is a conservative change, it occurs at a poorly conserved position in the protein, it is predicted to be benign by multiple in silico algorithms, and/or has population frequency not consistent with disease.

Illumina Laboratory Services, Illumina
Classification: Uncertain significance for Malignant hyperthermia, susceptibility to, 1. Last evaluated: 2017-04-27. Review status: criteria provided, single submitter. Criteria: ICSL Variant Classification Criteria 13 December 2019. Collection method: clinical testing. Allele origin: germline.
Comment: This variant was observed as part of a predisposition screen in an ostensibly healthy population. A literature search was performed for the gene, cDNA change, and amino acid change (where applicable). Publications were found based on this search. However, the evidence from the literature, in combination with allele frequency data from public databases where available, was not sufficient to rule this variant in or out of causing disease. Therefore, this variant is classified as a variant of unknown significance.

Illumina Laboratory Services, Illumina
Classification: Uncertain significance for Central core myopathy. Last evaluated: 2017-04-27. Review status: criteria provided, single submitter. Criteria: ICSL Variant Classification Criteria 13 December 2019. Collection method: clinical testing. Allele origin: germline.

Illumina Laboratory Services, Illumina
Classification: Uncertain significance for Congenital multicore myopathy with external ophthalmoplegia. Last evaluated: 2017-04-27. Review status: criteria provided, single submitter. Criteria: ICSL Variant Classification Criteria 13 December 2019. Collection method: clinical testing. Allele origin: germline.

Literature cited by the submitters: PubMed 20681998 (cited by Illumina Laboratory Services, Illumina).